The following is an entry in ClinVar:

ClinVar aggregate classification (germline): Pathogenic (1 of 4 stars; one submission).

Submission:

GeneDx
Classification: Pathogenic. Last evaluated: 2015-07-31. Review status: criteria provided, single submitter. Criteria: GeneDx Variant Classification (06012015). Collection method: clinical testing. Allele origin: germline. Affected: yes.
Comment: The c.175+1 G>A splice site variant in the GPC3 gene destroys the canonical splice donor site in intron 1. It is predicted to cause abnormal gene splicing, either leading to an abnormal message that is subject to nonsense-mediated mRNA decay, or to an abnormal protein product if the message is used for protein translation. It was not observed in approximately 6,500 individuals of European and African American ancestry in the NHLBI Exome Sequencing Project, indicating it is not a common benign variant in these populations.

NM_004484.4(GPC3):c.175+1G>A

Gene: GPC3 (glypican 3; minus strand). Cytogenetic location: Xq26.2.
Variant type: single nucleotide variant.
Coding change: c.175+1G>A on transcript NM_004484.4 (MANE Select); the canonical splice donor site of the intron after coding-DNA position 175, G replaced by A.
Molecular consequence: splice donor variant.
Genome position (GRCh38, 1-based): chrX:133,985,274, C>T on the plus strand (G>A on the coding strand, the complement: GPC3 is on the minus strand). VCF-style: chrX-133985274-C-T. GRCh37 (hg19) VCF-style: chrX-133119301-C-T.
Other names: c.175+1G>A (NM_001164619.2, NM_001164618.2, NM_001164617.2).
Identifiers: ClinVar variation 265343 (VCV000265343.2), dbSNP rs886039489, ClinGen allele CA10588743.